The following is an entry in ClinVar:

ClinVar aggregate classification (germline): Uncertain significance (1 of 4 stars; one submission).

Submission:

Labcorp Genetics (formerly Invitae), Labcorp
Classification: Uncertain significance. Last evaluated: 2025-01-06. Review status: criteria provided, single submitter. Criteria: Invitae Variant Classification Sherloc (09022015). Collection method: clinical testing. Allele origin: germline.
Comment: This sequence change replaces glutamic acid, which is acidic and polar, with glycine, which is neutral and non-polar, at codon 351 of the SNRNP200 protein (p.Glu351Gly). This variant is not present in population databases (gnomAD no frequency). This variant has not been reported in the literature in individuals affected with SNRNP200-related conditions. ClinVar contains an entry for this variant (Variation ID: 2119699). Invitae Evidence Modeling of protein sequence and biophysical properties (such as structural, functional, and spatial information, amino acid conservation, physicochemical variation, residue mobility, and thermodynamic stability) indicates that this missense variant is not expected to disrupt SNRNP200 protein function with a negative predictive value of 95%. In summary, the available evidence is currently insufficient to determine the role of this variant in disease. Therefore, it has been classified as a Variant of Uncertain Significance.

NM_014014.5(SNRNP200):c.1052A>G (p.Glu351Gly)

Gene: SNRNP200 (small nuclear ribonucleoprotein U5 subunit 200; minus strand). Cytogenetic location: 2q11.2.
Variant type: single nucleotide variant.
Coding change: c.1052A>G on transcript NM_014014.5 (MANE Select); coding-DNA position 1052, A replaced by G.
Protein change: p.Glu351Gly; replaces glutamic acid 351 with glycine.
Molecular consequence: missense variant.
Genome position (GRCh38, 1-based): chr2:96,298,351, T>C on the plus strand (A>G on the coding strand, the complement: SNRNP200 is on the minus strand). VCF-style: chr2-96298351-T-C. GRCh37 (hg19) VCF-style: chr2-96964089-T-C.
Other names: short protein forms E351G.
Identifiers: ClinVar variation 2119699 (VCV002119699.4), dbSNP rs2467351290, ClinGen allele CA347683823.